The following is an entry in ClinVar:

NM_002230.4(JUP):c.1430G>A (p.Arg477His)

Gene: JUP (junction plakoglobin; minus strand). Cytogenetic location: 17q21.2.
Variant type: single nucleotide variant.
Coding change: c.1430G>A on transcript NM_002230.4 (MANE Select); coding-DNA position 1430, G replaced by A.
Protein change: p.Arg477His; replaces arginine 477 with histidine.
Molecular consequence: missense variant.
Genome position (GRCh38, 1-based): chr17:41,763,050, C>T on the plus strand (G>A on the coding strand, the complement: JUP is on the minus strand). VCF-style: chr17-41763050-C-T. GRCh37 (hg19) VCF-style: chr17-39919302-C-T.
Other names: c.1430G>A, p.Arg477His (NM_001352773.2, NM_001352774.2, NM_001352775.2 and 3 more transcripts); short protein forms R477H.
Identifiers: ClinVar variation 647686 (VCV000647686.9), dbSNP rs781788038, ClinGen allele CA8565215.
Genomic context (GRCh38, chr17:41,763,050, plus strand): 5'-AGTGGCCACTGGTTGGGCTGGTTGAGCAGCTTCACGATGGCTGGGATGCCATAGTTGAGA[C>T]GCACAGAGTTCTGGGCCATCTCGGCCTCAGGGTGGCGGCTAGTGAGGTGGCGCAGAGCGC-3'
Protein context (NP_002221.1, residues 467-487): PEAEMAQNSV[Arg477His]LNYGIPAIVK

ClinVar aggregate classification (germline): Conflicting classifications of pathogenicity. Review status: criteria provided, conflicting classifications (1 of 4 stars). 3 submissions from 3 submitters: Uncertain significance (2); Likely benign (1). Last evaluated 2025-11-03.

Conditions:
Cardiovascular phenotype. Identifiers: MedGen CN230736.
Arrhythmogenic right ventricular dysplasia 12. Also called: ARRHYTHMOGENIC RIGHT VENTRICULAR DYSPLASIA, FAMILIAL, 12. Identifiers: MedGen C1969081, MONDO:0012684, OMIM 611528.
Naxos disease (NXD). Also called: CARDIOMYOPATHY, ARRHYTHMOGENIC RIGHT VENTRICULAR, WITH SKIN, HAIR, AND NAIL ABNORMALITIES; WOOLLY HAIR, PALMOPLANTAR KERATODERMA, AND CARDIAC ABNORMALITIES; KERATOSIS PALMOPLANTARIS WITH ARRHYTHMOGENIC CARDIOMYOPATHY; MAL DE NAXOS; PALMOPLANTAR KERATODERMA WITH ARRHYTHMOGENIC RIGHT VENTRICULAR CARDIOMYOPATHY AND WOOLLY HAIR. Identifiers: Orphanet 34217, MedGen C1832600, MONDO:0011017, OMIM 601214.

Allele frequency attached by ClinVar (database versions not stated): gnomAD exomes 0.00002 and 0.00004; ExAC 0.00003; gnomAD 0.00003 and 0.00004; TOPMed 0.00005.
gnomAD v4.1: 30 of 1,613,964 alleles (0.0019%); highest among the groups gnomAD compares: East Asian, 0.011%; no homozygotes.

Submissions (3):

Labcorp Genetics (formerly Invitae), Labcorp
Classification: Uncertain significance for Arrhythmogenic right ventricular dysplasia 12; Naxos disease. Last evaluated: 2025-11-03. Review status: criteria provided, single submitter. Criteria: Invitae Variant Classification Sherloc (09022015). Collection method: clinical testing. Allele origin: germline.
Comment: This sequence change replaces arginine, which is basic and polar, with histidine, which is basic and polar, at codon 477 of the JUP protein (p.Arg477His). This variant is present in population databases (rs781788038, gnomAD 0.03%). This variant has not been reported in the literature in individuals affected with JUP-related conditions. ClinVar contains an entry for this variant (Variation ID: 647686). An algorithm developed to predict the effect of missense changes on protein structure and function (PolyPhen-2) suggests that this variant is likely to be disruptive. In summary, the available evidence is currently insufficient to determine the role of this variant in disease. Therefore, it has been classified as a Variant of Uncertain Significance.

Ambry Genetics
Classification: Likely benign for Cardiovascular phenotype. Last evaluated: 2023-02-27. Review status: criteria provided, single submitter. Criteria: Ambry Variant Classification Scheme 2023. Collection method: clinical testing. Allele origin: germline.

Fulgent Genetics
Classification: Uncertain significance for Naxos disease; Arrhythmogenic right ventricular dysplasia 12. Last evaluated: 2021-09-15. Review status: criteria provided, single submitter. Criteria: ACMG Guidelines, 2015. Collection method: clinical testing. Allele origin: unknown.